The following is an entry in ClinVar:

NM_020631.6(PLEKHG5):c.1236G>A (p.Thr412=)

Gene: PLEKHG5 (pleckstrin homology and RhoGEF domain containing G5; minus strand). Cytogenetic location: 1p36.31.
Variant type: single nucleotide variant.
Coding change: c.1236G>A on transcript NM_020631.6 (MANE Select); coding-DNA position 1236, G replaced by A.
Protein change: p.Thr412=; no amino-acid change (threonine 412 retained).
Molecular consequence: synonymous variant.
Genome position (GRCh38, 1-based): chr1:6,471,533, C>T on the plus strand (G>A on the coding strand, the complement: PLEKHG5 is on the minus strand). VCF-style: chr1-6471533-C-T. GRCh37 (hg19) VCF-style: chr1-6531593-C-T.
Other names: p.Thr412=; c.1236G>A (NM_020631.5); c.1347G>A, p.Thr449= (NM_001042663.3, NM_001265592.2); c.1236G>A, p.Thr412= (NM_001042664.2, NM_001042665.2, NM_001265594.3 and 1 more transcripts); c.1443G>A, p.Thr481= (NM_001265593.2).
Identifiers: ClinVar variation 378376 (VCV000378376.58), dbSNP rs376823275, ClinGen allele CA561595.

ClinVar aggregate classification (germline): Conflicting classifications of pathogenicity. Review status: criteria provided, conflicting classifications (1 of 4 stars). 9 submissions from 9 submitters: Uncertain significance (1); Likely benign (7). 1 of the submissions does not count toward it. Last evaluated 2026-01-22.

Conditions:
PLEKHG5-related disorder. Also called: PLEKHG5-related condition.
Inborn genetic diseases. Identifiers: MedGen C0950123, MeSH D030342.
Charcot-Marie-Tooth disease recessive intermediate C. Also called: CHARCOT-MARIE-TOOTH NEUROPATHY, RECESSIVE INTERMEDIATE C. Identifiers: Orphanet 369867, MedGen C3809309, MONDO:0014154, OMIM 615376.
Neuronopathy, distal hereditary motor, autosomal recessive 4. Also called: Autosomal recessive lower motor neuron disease with childhood onset; NEUROPATHY, DISTAL HEREDITARY MOTOR, AUTOSOMAL RECESSIVE 4. Identifiers: Orphanet 206580, MedGen C1970211, MONDO:0012608, OMIM 611067.

Allele frequency attached by ClinVar (database versions not stated): ESP Exome Variant Server 0.00054; gnomAD exomes 0.00054 and 0.00056; ExAC 0.00074; 1000 Genomes Project 30x 0.00016; 1000 Genomes Project 0.00020; gnomAD 0.00045; TOPMed 0.00053.
gnomAD v4.1: 880 of 1,609,534 alleles (0.055%); highest among the groups gnomAD compares: South Asian, 0.14%; 2 homozygotes.

Submissions (9):

Labcorp Genetics (formerly Invitae), Labcorp
Classification: Likely benign for Neuronopathy, distal hereditary motor, autosomal recessive 4; Charcot-Marie-Tooth disease recessive intermediate C. Last evaluated: 2026-01-22. Review status: criteria provided, single submitter. Criteria: Invitae Variant Classification Sherloc (09022015). Collection method: clinical testing. Allele origin: germline.

Mayo Clinic Laboratories, Mayo Clinic
Classification: Likely benign. Last evaluated: 2025-02-10. Review status: criteria provided, single submitter. Criteria: ACMG Guidelines, 2015. Collection method: clinical testing. Allele origin: germline. Observed: 1 variant allele.
Comment: BS1, BP4, BP7

Blueprint Genetics
Classification: Likely benign. Last evaluated: 2024-11-04. Review status: criteria provided, single submitter. Criteria: ACMG Guidelines, 2015. Collection method: clinical testing. Allele origin: germline.

CeGaT Center for Human Genetics Tuebingen
Classification: Likely benign. Last evaluated: 2024-11-01. Review status: criteria provided, single submitter. Criteria: CeGaT Center For Human Genetics Tuebingen Variant Classification Criteria Version 2. Collection method: clinical testing. Allele origin: germline. Affected: yes. Observed: 6 variant alleles.
Comment: PLEKHG5: BP4, BP7

GeneDx
Classification: Likely benign. Last evaluated: 2021-09-08. Review status: criteria provided, single submitter. Criteria: GeneDx Variant Classification Process June 2021. Collection method: clinical testing. Allele origin: germline. Affected: yes.

Ambry Genetics
Classification: Likely benign for Inborn genetic diseases. Last evaluated: 2019-07-11. Review status: criteria provided, single submitter. Criteria: Ambry Variant Classification Scheme 2023. Collection method: clinical testing. Allele origin: germline.

ARUP Laboratories, Molecular Genetics and Genomics, ARUP Laboratories
Classification: Likely benign. Last evaluated: 2018-07-31. Review status: criteria provided, single submitter. Criteria: ARUP Molecular Germline Variant Investigation Process. Collection method: clinical testing. Allele origin: germline.

Illumina Laboratory Services, Illumina
Classification: Uncertain significance for Neuronopathy, distal hereditary motor, autosomal recessive 4. Last evaluated: 2018-01-13. Review status: criteria provided, single submitter. Criteria: ICSL Variant Classification Criteria 13 December 2019. Collection method: clinical testing. Allele origin: germline.

PreventionGenetics, part of Exact Sciences
Classification: Likely benign for PLEKHG5-related condition. Last evaluated: 2019-12-04. Review status: no assertion criteria provided. Collection method: clinical testing. Allele origin: germline. Not counted in ClinVar's aggregate classification.
Comment: This variant is classified as likely benign based on ACMG/AMP sequence variant interpretation guidelines (Richards et al. 2015 PMID: 25741868, with internal and published modifications).